The following is an entry in ClinVar:

ClinVar aggregate classification (germline): Conflicting classifications of pathogenicity. Review status: criteria provided, conflicting classifications (1 of 4 stars). 3 submissions from 3 submitters: Likely pathogenic (1); Uncertain significance (1). 1 of the submissions does not count toward it. Last evaluated 2025-10-20.

Conditions:
SMPD1-related disorder. Also called: SMPD1-related condition.
Niemann-Pick disease, type A. Also called: SPHINGOMYELIN LIPIDOSIS; SPHINGOMYELINASE DEFICIENCY; Infantile Neurovisceral ASMD (Niemann-Pick Disease Type A; NPD-A). Identifiers: Orphanet 77292, MedGen C0268242, MONDO:0009756, OMIM 257200. Disease mechanism: loss of function.
Niemann-Pick disease, type B. Also called: Chronic Visceral ASMD (Niemann-Pick Disease Type B; NPD-B). Identifiers: Orphanet 77293, MedGen C0268243, MONDO:0011871, OMIM 607616. Disease mechanism: loss of function.

gnomAD v4.1: 3 of 1,614,050 alleles (0.00019%); highest among the groups gnomAD compares: African/African-American, 0.0027%; no homozygotes.

Submissions (3):

Women's Health and Genetics/Laboratory Corporation of America, LabCorp
Classification: Uncertain significance. Last evaluated: 2025-10-20. Review status: criteria provided, single submitter. Criteria: LabCorp Variant Classification Summary - May 2015. Collection method: clinical testing. Allele origin: germline.
Comment: Variant summary: SMPD1 c.1430C>A (p.Pro477Gln) results in a non-conservative amino acid change in the encoded protein sequence. Algorithms developed to predict the effect of missense changes on protein structure and function all suggest that this variant is likely to be disruptive. The variant was absent in 251486 control chromosomes. The available data on variant occurrences in the general population are insufficient to allow any conclusion about variant significance. To our knowledge, no occurrence of c.1430C>A in individuals affected with SMPD1-related conditions and no experimental evidence demonstrating its impact on protein function have been reported. ClinVar contains an entry for this variant (Variation ID: 1489165). Based on the evidence outlined above, the variant was classified as uncertain significance.

Labcorp Genetics (formerly Invitae), Labcorp
Classification: Likely pathogenic for Niemann-Pick disease, type B; Niemann-Pick disease, type A. Last evaluated: 2021-12-07. Review status: criteria provided, single submitter. Criteria: Invitae Variant Classification Sherloc (09022015). Collection method: clinical testing. Allele origin: germline.
Comment: This sequence change replaces proline, which is neutral and non-polar, with glutamine, which is neutral and polar, at codon 477 of the SMPD1 protein (p.Pro477Gln). This variant is present in population databases (no rsID available, gnomAD 0.01%). This variant has not been reported in the literature in individuals affected with SMPD1-related conditions. Advanced modeling of protein sequence and biophysical properties (such as structural, functional, and spatial information, amino acid conservation, physicochemical variation, residue mobility, and thermodynamic stability) performed at Invitae indicates that this missense variant is expected to disrupt SMPD1 protein function. This variant disrupts the p.Pro477 amino acid residue in SMPD1. Other variant(s) that disrupt this residue have been determined to be pathogenic (PMID: 12556236, 12712061, 15221801, 17011332). This suggests that this residue is clinically significant, and that variants that disrupt this residue are likely to be disease-causing. In summary, the currently available evidence indicates that the variant is pathogenic, but additional data are needed to prove that conclusively. Therefore, this variant has been classified as Likely Pathogenic.

PreventionGenetics, part of Exact Sciences
Classification: Uncertain significance for SMPD1-related condition. Last evaluated: 2024-03-08. Review status: no assertion criteria provided. Collection method: clinical testing. Allele origin: germline. Not counted in ClinVar's aggregate classification.
Comment: The SMPD1 c.1430C>A variant is predicted to result in the amino acid substitution p.Pro477Gln. To our knowledge, this variant has not been reported in the literature. This variant is reported in 0.011% of alleles in individuals of African descent in gnomAD. Alternate nucleotide substitutions affecting the same amino acid (p.Pro477Leu and p.Pro477Thr) have been reported in the homozygous and compound heterozygous states in multiple individuals with Niemann-Pick disease (Table 1, Wasserstein et al. 2006. PubMed ID: 17011332; Table 1, Ranganath et al. 2016. PubMed ID: 27338287). Although we suspect the c.1430C>A (p.Pro477Gln) variant may be pathogenic, at this time, the clinical significance of this variant is uncertain due to the absence of conclusive functional and genetic evidence.

Literature cited by the submitters: PubMed 38782304 (cited by Women's Health and Genetics/Laboratory Corporation of America, LabCorp); PubMed 12556236 (cited by Labcorp Genetics (formerly Invitae), Labcorp); PubMed 12712061 (cited by Labcorp Genetics (formerly Invitae), Labcorp); PubMed 15221801 (cited by Labcorp Genetics (formerly Invitae), Labcorp); PubMed 17011332 (cited by Labcorp Genetics (formerly Invitae), Labcorp).

NM_000543.5(SMPD1):c.1430C>A (p.Pro477Gln)

Gene: SMPD1 (sphingomyelin phosphodiesterase 1; plus strand). Cytogenetic location: 11p15.4.
Variant type: single nucleotide variant.
Coding change: c.1430C>A on transcript NM_000543.5 (MANE Select); coding-DNA position 1430, C replaced by A.
Protein change: p.Pro477Gln; replaces proline 477 with glutamine.
Molecular consequence: missense variant. On other transcripts: non-coding transcript variant (2).
Genome position (GRCh38, 1-based): chr11:6,393,985, C>A. VCF-style: chr11-6393985-C-A. GRCh37 (hg19) VCF-style: chr11-6415215-C-A.
Other names: c.1427C>A, p.Pro476Gln (NM_001007593.3); c.1430C>A, p.Pro477Gln (NM_001318087.2); c.509C>A, p.Pro170Gln (NM_001318088.2); c.1298C>A, p.Pro433Gln (NM_001365135.2); c.1430C>A (NM_000543.4); short protein forms P477Q, P170Q, P433Q, P476Q.
Identifiers: ClinVar variation 1489165 (VCV001489165.8), dbSNP rs753508874, ClinGen allele CA379375293.